The following is an entry in ClinVar:

NM_001735.3(C5):c.4932G>C (p.Trp1644Cys)

Gene: C5 (complement C5; minus strand). Cytogenetic location: 9q33.2.
Variant type: single nucleotide variant.
Coding change: c.4932G>C on transcript NM_001735.3 (MANE Select); coding-DNA position 4932, G replaced by C.
Protein change: p.Trp1644Cys; replaces tryptophan 1644 with cysteine.
Molecular consequence: missense variant.
Genome position (GRCh38, 1-based): chr9:120,952,838, C>G on the plus strand (G>C on the coding strand, the complement: C5 is on the minus strand). VCF-style: chr9-120952838-C-G. GRCh37 (hg19) VCF-style: chr9-123715116-C-G.
Other names: c.4950G>C, p.Trp1650Cys (NM_001317163.2); short protein forms W1650C, W1644C.
Identifiers: ClinVar variation 1364468 (VCV001364468.9), dbSNP rs2131656978, ClinGen allele CA374738318.

ClinVar aggregate classification (germline): Uncertain significance. Review status: criteria provided, multiple submitters, no conflicts (2 of 4 stars). 2 submissions from 2 submitters: Uncertain significance (2). Last evaluated 2021-07-06.

Conditions:
Complement component 5 deficiency. Also called: C5 DEFICIENCY. Identifiers: MedGen C0343047, MONDO:0012295, OMIM 609536.
Eculizumab, poor response to. Identifiers: MedGen C3810402, OMIM 615749.

Submissions (2):

Fulgent Genetics
Classification: Uncertain significance for Complement component 5 deficiency; Eculizumab, poor response to. Last evaluated: 2021-07-06. Review status: criteria provided, single submitter. Criteria: ACMG Guidelines, 2015. Collection method: clinical testing. Allele origin: unknown.

Labcorp Genetics (formerly Invitae), Labcorp
Classification: Uncertain significance. Last evaluated: 2021-01-13. Review status: criteria provided, single submitter. Criteria: Invitae Variant Classification Sherloc (09022015). Collection method: clinical testing. Allele origin: germline.
Comment: In summary, the available evidence is currently insufficient to determine the role of this variant in disease. Therefore, it has been classified as a Variant of Uncertain Significance. Algorithms developed to predict the effect of missense changes on protein structure and function are either unavailable or do not agree on the potential impact of this missense change (SIFT: "Deleterious"; PolyPhen-2: "Probably Damaging"; Align-GVGD: "Class C15"). This variant has not been reported in the literature in individuals with C5-related conditions. This variant is not present in population databases (ExAC no frequency). This sequence change replaces tryptophan with cysteine at codon 1644 of the C5 protein (p.Trp1644Cys). The tryptophan residue is highly conserved and there is a large physicochemical difference between tryptophan and cysteine.